The following is an entry in ClinVar:

ClinVar aggregate classification (germline): Uncertain significance (1 of 4 stars; one submission).

Submission:

Laboratory for Molecular Medicine, Mass General Brigham Personalized Medicine
Classification: Uncertain significance. Last evaluated: 2018-09-25. Review status: criteria provided, single submitter. Criteria: LMM Criteria. Collection method: clinical testing. Allele origin: germline. Observed: 1 variant allele.
Comment: Variant classified as Uncertain Significance - Favor Pathogenic. The c.4252+3_42 52+6delAAGT variant in OTOGL has not been previously reported in individuals wit h hearing loss and was absent from large population studies. This variant is a d eletion of 4 bases in the 5' splice region. Computational tools suggest that thi s deletion may have a strong impact on splicing; however, this information is no t predictive enough to determine pathogenicity. In summary, while there is some suspicion for a pathogenic role, the clinical significance of the c.4252+3_4252+ 6delAAGT variant is uncertain. ACMG/AMP Criteria applied: PM2, PP3.

NM_001378609.3(OTOGL):c.4279+3_4279+6del

Gene: OTOGL (otogelin like; plus strand). Cytogenetic location: 12q21.31.
Variant type: Deletion.
Coding change: c.4279+3_4279+6del on transcript NM_001378609.3 (MANE Select); bases 3 to 6 of the intron after coding-DNA position 4279, 4 bases deleted (AAGT; older notation c.4279+3_4279+6delAAGT).
Molecular consequence: splice donor variant.
Genome position (GRCh38, 1-based): chr12:80,328,747-80,328,750, AAGT deleted; deleting any 4 consecutive bases within chr12:80,328,745-80,328,750 gives the same sequence; the c. name uses the placement nearest the transcript's 3' end. VCF-style (leftmost placement, unchanged base first): chr12-80328744-TGTAA-T. GRCh37 (hg19) VCF-style: chr12-80722524-TGTAA-T.
Other names: c.4252+3_4252+6delAAGT (NM_173591.3); c.4144+3_4144+6del (NM_001368062.3); c.4279+3_4279+6del (NM_001378610.3, NM_173591.7).
Identifiers: ClinVar variation 667304 (VCV000667304.4), dbSNP rs1592713988, ClinGen allele CA915946663.